The following is an entry in ClinVar:

NM_000431.4(MVK):c.632G>A (p.Gly211Glu)

Gene: MVK (mevalonate kinase; plus strand). Cytogenetic location: 12q24.11.
Variant type: single nucleotide variant.
Coding change: c.632G>A on transcript NM_000431.4 (MANE Select); coding-DNA position 632, G replaced by A.
Protein change: p.Gly211Glu; replaces glycine 211 with glutamic acid.
Molecular consequence: missense variant.
Genome position (GRCh38, 1-based): chr12:109,586,754, G>A. VCF-style: chr12-109586754-G-A. GRCh37 (hg19) VCF-style: chr12-110024559-G-A.
Other names: c.632G>A, p.Gly211Glu (NM_001114185.3); c.476G>A, p.Gly159Glu (NM_001301182.2); short protein forms G211E, G159E.
Identifiers: ClinVar variation 97606 (VCV000097606.1), dbSNP rs104895325, ClinGen allele CA149865.

ClinVar aggregate classification (germline): not provided (0 of 4 stars; one submission).

Conditions:
Hyperimmunoglobulin D with periodic fever (HIDS). Also called: HYPERIMMUNOGLOBULINEMIA D AND PERIODIC FEVER SYNDROME; Hyperimmunoglobulinemia D; Hyperimmunoglobulinemia D with periodic fever. Identifiers: Orphanet 343, MedGen C0398691, MONDO:0009849, OMIM 260920.

Submission:

Unité médicale des maladies autoinflammatoires, CHRU Montpellier
No classification provided. Condition: Hyperimmunoglobulin D with periodic fever. Review status: no classification provided. Collection method: not provided. Allele origin: unknown.
Comment: also involved in OMIM 25117